The following is an entry in ClinVar:

NM_000384.3(APOB):c.4072C>G (p.Leu1358Val)

Gene: APOB (apolipoprotein B; minus strand). Cytogenetic location: 2p24.1.
Variant type: single nucleotide variant.
Coding change: c.4072C>G on transcript NM_000384.3 (MANE Select); coding-DNA position 4072, C replaced by G.
Protein change: p.Leu1358Val; replaces leucine 1358 with valine.
Molecular consequence: missense variant.
Genome position (GRCh38, 1-based): chr2:21,013,304, G>C on the plus strand (C>G on the coding strand, the complement: APOB is on the minus strand). VCF-style: chr2-21013304-G-C. GRCh37 (hg19) VCF-style: chr2-21236176-G-C.
Other names: short protein forms L1358V.
Identifiers: ClinVar variation 630312 (VCV000630312.10), dbSNP rs565963363, ClinGen allele CA060432.
Genomic context (GRCh38, chr2:21,013,304, plus strand): 5'-TGTTGCCACCACTGTAGGAGGCGGACCAGTTGTACAAGTTGCTGTAGACATTCGTGGAGA[G>C]GTCTAGAACACCCAGGAGAGGCACTTGCAGTTGATACAACTTGGGAATGGTAAAAGTAGG-3'
Protein context (NP_000375.3, residues 1348-1368): LQVPLLGVLD[Leu1358Val]STNVYSNLYN

ClinVar aggregate classification (germline): Likely benign. Review status: criteria provided, single submitter (1 of 4 stars). 2 submissions from 2 submitters: Likely benign (1). 1 of the submissions does not count toward it. Last evaluated 2023-06-02.

Conditions:
Hypercholesterolemia, autosomal dominant, type B (FHCL2). Also called: APOB-Related Familial Hypercholesterolemia, Autosomal Dominant; Hyperlipoproteinemia Type IIb; Familial Hypercholesterolemia Type B; APOLIPOPROTEIN B-100, FAMILIAL DEFECTIVE; APOLIPOPROTEIN B-100, FAMILIAL LIGAND-DEFECTIVE; Familial hypercholesterolemia 2. Identifiers: MedGen C1704417, MONDO:0007751, OMIM 144010.
Familial hypobetalipoproteinemia 1. Also called: APOB-Related Familial Hypobetalipoproteinemia; Hypobetalipoproteinemia, normotriglyceridemic; Acanthocytosis with hypobetalipoproteinemia. Identifiers: MedGen C4551990, MONDO:0014252, OMIM 615558.

Allele frequency attached by ClinVar (database versions not stated): 1000 Genomes Project 30x 0.00016; 1000 Genomes Project 0.00020.
gnomAD v4.1: 11 of 1,614,136 alleles (0.00068%); highest among the groups gnomAD compares: South Asian, 0.012%; no homozygotes.

Submissions (2):

Labcorp Genetics (formerly Invitae), Labcorp
Classification: Likely benign for Familial hypobetalipoproteinemia 1; Hypercholesterolemia, autosomal dominant, type B. Last evaluated: 2023-06-02. Review status: criteria provided, single submitter. Criteria: Invitae Variant Classification Sherloc (09022015). Collection method: clinical testing. Allele origin: germline.

Amrita Institute of Medical Sciences and Research Centre, Amrita Vishwa Vidyapeetham
Classification: Likely benign for Familial hypobetalipoproteinemia 1. Last evaluated: 2023-05-02. Review status: no assertion criteria provided. Collection method: clinical testing. Allele origin: germline. Affected: yes. Not counted in ClinVar's aggregate classification.
Comment: This variant has been reported in individuals and families affected by hypercholesterolemia.Analysis of this variant using bioinformatics tools for the prediction of the effect of amino acid changes on protein structure and function yielded conflicting predictions that this variant is deleterious or benign

Literature cited by the submitters: PubMed 17964958 (cited by Amrita Institute of Medical Sciences and Research Centre, Amrita Vishwa Vidyapeetham); PubMed 18325181 (cited by Amrita Institute of Medical Sciences and Research Centre, Amrita Vishwa Vidyapeetham).